The following is an entry in ClinVar:

ClinVar aggregate classification (germline): Uncertain significance (1 of 4 stars; one submission).

Submission:

GeneDx
Classification: Uncertain significance. Last evaluated: 2021-11-23. Review status: criteria provided, single submitter. Criteria: GeneDx Variant Classification Process June 2021. Collection method: clinical testing. Allele origin: germline. Affected: yes.
Comment: Not observed at significant frequency in large population cohorts (gnomAD); In silico analysis supports that this missense variant has a deleterious effect on protein structure/function; Has not been previously published as pathogenic or benign to our knowledge

NM_001291415.2(KDM6A):c.3143A>G (p.His1048Arg)

Gene: KDM6A (lysine demethylase 6A; plus strand). Cytogenetic location: Xp11.3.
Variant type: single nucleotide variant.
Coding change: c.3143A>G on transcript NM_001291415.2 (MANE Select); coding-DNA position 3143, A replaced by G.
Protein change: p.His1048Arg; replaces histidine 1048 with arginine.
Molecular consequence: missense variant. On other transcripts: non-coding transcript variant (1).
Genome position (GRCh38, 1-based): chrX:45,079,194, A>G. VCF-style: chrX-45079194-A-G. GRCh37 (hg19) VCF-style: chrX-44938439-A-G.
Other names: c.3008A>G, p.His1003Arg (NM_001291416.2); c.2852A>G, p.His951Arg (NM_001291417.2); c.2750A>G, p.His917Arg (NM_001291418.2); c.2099A>G, p.His700Arg (NM_001291421.2); c.2987A>G, p.His996Arg (NM_021140.4); short protein forms H1003R, H1048R, H700R, H917R, H951R, H996R.
Identifiers: ClinVar variation 1686756 (VCV001686756.2), dbSNP rs2148118758, ClinGen allele CA412801003.
Genomic context (GRCh38, chrX:45,079,194, plus strand): 5'-GTATTCATGAAGACCTGGGACTTTTCTCTACTAAAACTTTGGTGGAAGCTAACAATGAAC[A>G]TATGGTAGAAGTGAGGACACAGTTGTTGCAGCCAGCAGATGAAAACTGGGATCCCACTGG-3'
Protein context (NP_001278344.1, residues 1038-1058): TKTLVEANNE[His1048Arg]MVEVRTQLLQ